The following is an entry in ClinVar:

NM_021072.4(HCN1):c.459G>T (p.Met153Ile)

Gene: HCN1 (hyperpolarization activated cyclic nucleotide gated potassium channel 1; minus strand). Cytogenetic location: 5p12.
Variant type: single nucleotide variant.
Coding change: c.459G>T on transcript NM_021072.4 (MANE Select); coding-DNA position 459, G replaced by T.
Protein change: p.Met153Ile; replaces methionine 153 with isoleucine.
Molecular consequence: missense variant.
Genome position (GRCh38, 1-based): chr5:45,645,575, C>A on the plus strand (G>T on the coding strand, the complement: HCN1 is on the minus strand). VCF-style: chr5-45645575-C-A. GRCh37 (hg19) VCF-style: chr5-45645677-C-A.
Other names: short protein forms M153I.
Identifiers: ClinVar variation 1741776 (VCV001741776.2), dbSNP rs1057519548, ClinGen allele CA359707866.

ClinVar aggregate classification (germline): Likely pathogenic (1 of 4 stars; one submission).

Conditions:
Inborn genetic diseases. Identifiers: MedGen C0950123, MeSH D030342.

Submission:

Ambry Genetics
Classification: Likely pathogenic for Inborn genetic diseases. Last evaluated: 2017-11-02. Review status: criteria provided, single submitter. Criteria: Ambry Variant Classification Scheme 2023. Collection method: clinical testing. Allele origin: germline.
Comment: The p.M153I variant (also known as c.459G>T), located in coding exon 2 of the HCN1 gene, results from a G to T substitution at nucleotide position 459. The methionine at codon 153 is replaced by isoleucine, an amino acid with highly similar properties. A different variant (c.459G>C) resulting in the same amino acid substitution has also been reported to be de novo in an individual with early infantile epileptic encephalopathy (Parrini E et al. Hum. Mutat., 2017 Feb;38:216-225). In addition, this amino acid position is highly conserved in available vertebrate species. Based on the majority of available evidence to date, this variant is likely to be pathogenic.

Literature cited by the submitters: PubMed 27864847.